The following is an entry in ClinVar:

ClinVar aggregate classification (germline): Likely pathogenic (1 of 4 stars; one submission).

Conditions:
Silver-Russell syndrome 5 (SRS5). Identifiers: MedGen C5394456, MONDO:0020795, OMIM 618908.

Submission:

3billion
Classification: Likely pathogenic for Silver-Russell syndrome 5. Last evaluated: 2022-09-01. Review status: criteria provided, single submitter. Criteria: ACMG Guidelines, 2015. Collection method: clinical testing. Allele origin: germline. Affected: yes. Observed: 1 heterozygote.
Comment: The variant is not observed in the gnomAD v2.1.1 dataset. Frameshift variant is predicted to result in a loss or disruption of normal protein function through nonsense-mediated decay (NMD) or protein truncation. Multiple pathogenic variants are reported downstream of the variant. Therefore, this variant is classified as Likely pathogenic according to the recommendation of ACMG/AMP guideline.

NM_003483.6(HMGA2):c.44_48del (p.Ala15fs)

Gene: HMGA2 (high mobility group AT-hook 2; plus strand). Cytogenetic location: 12q14.3.
Variant type: Deletion.
Coding change: c.44_48del on transcript NM_003483.6 (MANE Select); coding-DNA positions 44 to 48, 5 bases deleted (CCCAG; older notation c.44_48delCCCAG).
Protein change: p.Ala15fs; shifts the reading frame from alanine 15.
Molecular consequence: frameshift variant.
Genome position (GRCh38, 1-based): chr12:65,825,314-65,825,318, CCCAG deleted; deleting any 5 consecutive bases within chr12:65,825,311-65,825,318 gives the same sequence; the c. name uses the placement nearest the transcript's 3' end. VCF-style (leftmost placement, unchanged base first): chr12-65825310-TCAGCC-T. GRCh37 (hg19) VCF-style: chr12-66219090-TCAGCC-T.
Other names: c.44_48del, p.Ala15fs (NM_001300918.1, NM_001300919.1, NM_001330190.1 and 1 more transcripts); short protein forms A15fs.
Identifiers: ClinVar variation 1705396 (VCV001705396.1), dbSNP rs2498929809, ClinGen allele CA2580086651.